The following is an entry in ClinVar:

ClinVar aggregate classification (germline): Benign (1 of 4 stars; one submission).

Allele frequency attached by ClinVar (database versions not stated): TOPMed 0.47719; gnomAD 0.48112; 1000 Genomes Project 0.48123; 1000 Genomes Project 30x 0.48220.
gnomAD v4.1: 73,171 of 152,116 alleles (48%); highest among the groups gnomAD compares: East Asian, 58%; 17,987 homozygotes.

Submission:

Unidad de Genómica Garrahan, Hospital de Pediatría Garrahan
Classification: Benign. Last evaluated: 2024-01-24. Review status: criteria provided, single submitter. Criteria: ACMG Guidelines, 2015. Collection method: clinical testing. Allele origin: germline. Affected: no. Observed: 77 variant alleles.
Comment: This variant is classified as Benign based on local population frequency. This variant was detected in 81% of patients studied by a panel of primary immunodeficiencies. Number of patients: 77. Only high quality variants are reported.

NM_001282225.2(ADA2):c.882-211G>C

Gene: ADA2 (adenosine deaminase 2; minus strand). Cytogenetic location: 22q11.1.
Variant type: single nucleotide variant.
Coding change: c.882-211G>C on transcript NM_001282225.2 (MANE Select); 211 bases into the intron before coding-DNA position 882, G replaced by C.
Molecular consequence: intron variant.
Genome position (GRCh38, 1-based): chr22:17,190,243, C>G on the plus strand (G>C on the coding strand, the complement: ADA2 is on the minus strand). VCF-style: chr22-17190243-C-G. GRCh37 (hg19) VCF-style: chr22-17671133-C-G.
Other names: c.756-211G>C (NM_001282227.2, NM_001282228.2); c.522-211G>C (NM_001282229.2); c.882-211G>C (NM_001282226.2); c.159-211G>C (NM_177405.3).
Identifiers: ClinVar variation 2687979 (VCV002687979.2), dbSNP rs2286348, ClinGen allele CA14933634.